The following is an entry in ClinVar:

ClinVar aggregate classification (germline): Uncertain significance (1 of 4 stars; one submission).

Submission:

GeneDx
Classification: Uncertain significance. Last evaluated: 2024-04-19. Review status: criteria provided, single submitter. Criteria: GeneDx Variant Classification Process June 2021. Collection method: clinical testing. Allele origin: germline. Affected: yes.
Comment: Not observed at significant frequency in large population cohorts (gnomAD); Nonsense variant predicted to result in protein truncation as the last 66 amino acids are lost, although loss-of-function variants have not been reported downstream of this position in the protein; Has not been previously published as pathogenic or benign to our knowledge

NM_001256627.2(BRSK2):c.2010dup (p.Asp671Ter)

Gene: BRSK2 (BR serine/threonine kinase 2; plus strand). Cytogenetic location: 11p15.5.
Variant type: Duplication.
Coding change: c.2010dup on transcript NM_001256627.2 (MANE Select); coding-DNA position 2010, one base duplicated (T; older notation c.2010dupT).
Protein change: p.Asp671Ter; replaces aspartic acid 671 with a stop codon.
Molecular consequence: nonsense. On other transcripts: intron variant (4).
Genome position (GRCh38, 1-based): chr11:1,460,522, T duplicated; the last of 3 consecutive T bases (chr11:1,460,520-1,460,522); duplicating any one gives the same sequence. VCF-style (leftmost placement, unchanged base first): chr11-1460519-C-CT. GRCh37 (hg19) VCF-style: chr11-1481749-C-CT.
Other names: c.*10-448dup (NM_001256629.2, NM_001282218.2); c.1988-448dup (NM_003957.4); c.2126-26dup (NM_001256630.1); short protein forms D671*.
Identifiers: ClinVar variation 3372560 (VCV003372560.1).